The following is an entry in ClinVar:

NM_002470.4(MYH3):c.2810T>C (p.Leu937Pro)

Gene: MYH3 (myosin heavy chain 3; minus strand). Cytogenetic location: 17p13.1.
Variant type: single nucleotide variant.
Coding change: c.2810T>C on transcript NM_002470.4 (MANE Select); coding-DNA position 2810, T replaced by C.
Protein change: p.Leu937Pro; replaces leucine 937 with proline.
Molecular consequence: missense variant.
Genome position (GRCh38, 1-based): chr17:10,639,675, A>G on the plus strand (T>C on the coding strand, the complement: MYH3 is on the minus strand). VCF-style: chr17-10639675-A-G. GRCh37 (hg19) VCF-style: chr17-10542992-A-G.
Other names: short protein forms L937P.
Identifiers: ClinVar variation 4535194 (VCV004535194.6).
Genomic context (GRCh38, chr17:10,639,675, plus strand): 5'-TCATCAATGTCTTTCTTGAGCTCTGAGCATTCATCCTCCAGTTTCCTCTTCTTGGCCGTC[A>G]GCTCAGCATTGATCTCCTCCTCATCTTCAGCTCTCTCTGTCACCTCCTTGATCTTGGCCT-3'
Protein context (NP_002461.2, residues 927-947): AEDEEEINAE[Leu937Pro]TAKKRKLEDE

ClinVar aggregate classification (germline): Uncertain significance (1 of 4 stars; one submission).

Submission:

CeGaT Center for Human Genetics Tuebingen
Classification: Uncertain significance. Last evaluated: 2025-11-01. Review status: criteria provided, single submitter. Criteria: CeGaT Center For Human Genetics Tuebingen Variant Classification Criteria Version 2. Collection method: clinical testing. Allele origin: germline. Affected: yes. Observed: 1 variant allele.
Comment: MYH3: PM2, PP3